The following is an entry in ClinVar:

ClinVar aggregate classification (germline): Uncertain significance. Review status: criteria provided, multiple submitters, no conflicts (2 of 4 stars). 2 submissions from 2 submitters: Uncertain significance (2). Last evaluated 2025-10-12.

gnomAD v4.1: 1 of 1,565,432 alleles (0.000064%); highest among the groups gnomAD compares: Non-Finnish European, 0.000087%; no homozygotes.

Submissions (2):

Labcorp Genetics (formerly Invitae), Labcorp
Classification: Uncertain significance. Last evaluated: 2025-10-12. Review status: criteria provided, single submitter. Criteria: Invitae Variant Classification Sherloc (09022015). Collection method: clinical testing. Allele origin: germline.
Comment: This sequence change replaces histidine, which is basic and polar, with asparagine, which is neutral and polar, at codon 439 of the SRP72 protein (p.His439Asn). This variant is not present in population databases (gnomAD no frequency). This variant has not been reported in the literature in individuals affected with SRP72-related conditions. ClinVar contains an entry for this variant (Variation ID: 3801467). Invitae Evidence Modeling of protein sequence and biophysical properties (such as structural, functional, and spatial information, amino acid conservation, physicochemical variation, residue mobility, and thermodynamic stability) indicates that this missense variant is not expected to disrupt SRP72 protein function with a negative predictive value of 80%. In summary, the available evidence is currently insufficient to determine the role of this variant in disease. Therefore, it has been classified as a Variant of Uncertain Significance.

Ambry Genetics
Classification: Uncertain significance. Last evaluated: 2025-01-27. Review status: criteria provided, single submitter. Criteria: Ambry Variant Classification Scheme 2023. Collection method: clinical testing. Allele origin: germline.
Comment: The p.H439N variant (also known as c.1315C>A), located in coding exon 13 of the SRP72 gene, results from a C to A substitution at nucleotide position 1315. The histidine at codon 439 is replaced by asparagine, an amino acid with similar properties. This amino acid position is conserved. In addition, this alteration is predicted to be tolerated by in silico analysis. Based on the available evidence, the clinical significance of this variant remains unclear.

NM_006947.4(SRP72):c.1315C>A (p.His439Asn)

Gene: SRP72 (signal recognition particle 72; plus strand). Cytogenetic location: 4q12.
Variant type: single nucleotide variant.
Coding change: c.1315C>A on transcript NM_006947.4 (MANE Select); coding-DNA position 1315, C replaced by A.
Protein change: p.His439Asn; replaces histidine 439 with asparagine.
Molecular consequence: missense variant. On other transcripts: non-coding transcript variant (1).
Genome position (GRCh38, 1-based): chr4:56,489,478, C>A. VCF-style: chr4-56489478-C-A. GRCh37 (hg19) VCF-style: chr4-57355644-C-A.
Other names: c.1132C>A, p.His378Asn (NM_001267722.2); short protein forms H378N, H439N.
Identifiers: ClinVar variation 3801467 (VCV003801467.2).